The following is an entry in ClinVar:

NM_001374353.1(GLI2):c.3847A>G (p.Arg1283Gly)

Gene: GLI2 (GLI family zinc finger 2; plus strand). Cytogenetic location: 2q14.2.
Variant type: single nucleotide variant.
Coding change: c.3847A>G on transcript NM_001374353.1 (MANE Select); coding-DNA position 3847, A replaced by G.
Protein change: p.Arg1283Gly; replaces arginine 1283 with glycine.
Molecular consequence: missense variant.
Genome position (GRCh38, 1-based): chr2:120,989,812, A>G. VCF-style: chr2-120989812-A-G. GRCh37 (hg19) VCF-style: chr2-121747388-A-G.
Other names: c.3898A>G, p.Arg1300Gly (NM_001371271.1, NM_005270.5); c.3472A>G, p.Arg1158Gly (NM_001374354.1); short protein forms R1283G, R1158G, R1300G.
Identifiers: ClinVar variation 2410598 (VCV002410598.3), dbSNP rs746470573, ClinGen allele CA1852504.

ClinVar aggregate classification (germline): Uncertain significance. Review status: criteria provided, multiple submitters, no conflicts (2 of 4 stars). 2 submissions from 2 submitters: Uncertain significance (2). Last evaluated 2025-08-27.

Conditions:
Postaxial polydactyly-anterior pituitary anomalies-facial dysmorphism syndrome. Also called: Culler-Jones syndrome. Identifiers: Orphanet 420584, MedGen C4014479, MONDO:0014369, OMIM 615849.
Holoprosencephaly 9 (HPE9). Also called: HOLOPROSENCEPHALY WITH MICROPHTHALMIA AND FIRST BRANCHIAL ARCH ANOMALIES; PITUITARY ANOMALIES WITH HOLOPROSENCEPHALY-LIKE FEATURES. Identifiers: Orphanet 2162, MedGen C1835819, MONDO:0012563, OMIM 610829.
Inborn genetic diseases. Identifiers: MedGen C0950123, MeSH D030342.

Allele frequency attached by ClinVar (database versions not stated): TOPMed 0.00002; gnomAD 0.00001; ExAC 0.00005; gnomAD exomes 0.00005.
gnomAD v4.1: 77 of 1,611,044 alleles (0.0048%); highest among the groups gnomAD compares: Non-Finnish European, 0.0062%; no homozygotes.

Submissions (2):

Labcorp Genetics (formerly Invitae), Labcorp
Classification: Uncertain significance for Postaxial polydactyly-anterior pituitary anomalies-facial dysmorphism syndrome; Holoprosencephaly 9. Last evaluated: 2025-08-27. Review status: criteria provided, single submitter. Criteria: Invitae Variant Classification Sherloc (09022015). Collection method: clinical testing. Allele origin: germline.
Comment: This sequence change replaces arginine, which is basic and polar, with glycine, which is neutral and non-polar, at codon 1300 of the GLI2 protein (p.Arg1300Gly). This variant is present in population databases (rs746470573, gnomAD 0.007%). This variant has not been reported in the literature in individuals affected with GLI2-related conditions. ClinVar contains an entry for this variant (Variation ID: 2410598). Invitae Evidence Modeling of protein sequence and biophysical properties (such as structural, functional, and spatial information, amino acid conservation, physicochemical variation, residue mobility, and thermodynamic stability) indicates that this missense variant is not expected to disrupt GLI2 protein function with a negative predictive value of 80%. In summary, the available evidence is currently insufficient to determine the role of this variant in disease. Therefore, it has been classified as a Variant of Uncertain Significance.

Ambry Genetics
Classification: Uncertain significance for Inborn genetic diseases. Last evaluated: 2021-07-06. Review status: criteria provided, single submitter. Criteria: Ambry Variant Classification Scheme 2023. Collection method: clinical testing. Allele origin: germline.